The following is an entry in ClinVar:

ClinVar aggregate classification (germline): Likely benign (0 of 4 stars; one submission).

Conditions:
ZNF750-related disorder. Also called: ZNF750-related condition.

Allele frequency attached by ClinVar (database versions not stated): gnomAD 0.00003.
gnomAD v4.1: 13 of 1,614,024 alleles (0.00081%); highest among the groups gnomAD compares: East Asian, 0.0045%; no homozygotes.

Submission:

PreventionGenetics, part of Exact Sciences
Classification: Likely benign for ZNF750-related condition. Last evaluated: 2019-04-08. Review status: no assertion criteria provided. Collection method: clinical testing. Allele origin: germline.
Comment: This variant is classified as likely benign based on ACMG/AMP sequence variant interpretation guidelines (Richards et al. 2015 PMID: 25741868, with internal and published modifications).

NM_024702.3(ZNF750):c.1125C>G (p.Val375=)

Genes: TBCD (tubulin folding cofactor D), ZNF750 (zinc finger protein 750; minus strand). Cytogenetic location: 17q25.3.
Variant type: single nucleotide variant.
Coding change: c.1125C>G on transcript NM_024702.3 (MANE Select); coding-DNA position 1125, C replaced by G.
Protein change: p.Val375=; no amino-acid change (valine 375 retained).
Molecular consequence: synonymous variant. On other transcripts: intron variant (3).
Genome position (GRCh38, 1-based): chr17:82,831,330, G>C on the plus strand (C>G on the coding strand, the complement: ZNF750 is on the minus strand). VCF-style: chr17-82831330-G-C. GRCh37 (hg19) VCF-style: chr17-80789206-G-C.
Other names: c.1318+16396G>C (NM_005993.5, NM_001411102.1); c.1267+16396G>C (NM_001411101.1).
Identifiers: ClinVar variation 3047605 (VCV003047605.2), dbSNP rs756774867, ClinGen allele CA8862290.